The following is an entry in ClinVar:

ClinVar aggregate classification (germline): Benign. Review status: criteria provided, multiple submitters, no conflicts (2 of 4 stars). 13 submissions from 12 submitters: Benign (10). 3 of the submissions do not count toward it. Last evaluated 2026-02-04.

Conditions:
SMPD1-related disorder. Also called: SMPD1-related condition.
Niemann-Pick disease, type A. Also called: Infantile Neurovisceral ASMD (Niemann-Pick Disease Type A; NPD-A); SPHINGOMYELIN LIPIDOSIS; SPHINGOMYELINASE DEFICIENCY. Identifiers: Orphanet 77292, MedGen C0268242, MONDO:0009756, OMIM 257200. Disease mechanism: loss of function.
Niemann-Pick disease, type B. Also called: Chronic Visceral ASMD (Niemann-Pick Disease Type B; NPD-B). Identifiers: Orphanet 77293, MedGen C0268243, MONDO:0011871, OMIM 607616. Disease mechanism: loss of function.

Allele frequency attached by ClinVar (database versions not stated): ExAC 0.55804; gnomAD 0.48888 and 0.44445; ESP Exome Variant Server 0.45459; gnomAD exomes 0.55381; 1000 Genomes Project 0.56130.

Submissions (13):

Labcorp Genetics (formerly Invitae), Labcorp
Classification: Benign for Niemann-Pick disease, type B; Niemann-Pick disease, type A. Last evaluated: 2026-02-04. Review status: criteria provided, single submitter. Criteria: Invitae Variant Classification Sherloc (09022015). Collection method: clinical testing. Allele origin: germline.

Blueprint Genetics
Classification: Benign. Last evaluated: 2024-11-27. Review status: criteria provided, single submitter. Criteria: ACMG Guidelines, 2015. Collection method: clinical testing. Allele origin: germline.

Genome-Nilou Lab
Classification: Benign for Niemann-Pick disease, type A. Last evaluated: 2021-07-01. Review status: criteria provided, single submitter. Criteria: ACMG Guidelines, 2015. Collection method: clinical testing. Allele origin: germline. Affected: no.

Genome-Nilou Lab
Classification: Benign for Niemann-Pick disease, type B. Last evaluated: 2021-07-01. Review status: criteria provided, single submitter. Criteria: ACMG Guidelines, 2015. Collection method: clinical testing. Allele origin: germline. Affected: no.

GeneDx
Classification: Benign. Last evaluated: 2018-12-04. Review status: criteria provided, single submitter. Criteria: GeneDx Variant Classification Process June 2021. Collection method: clinical testing. Allele origin: germline. Affected: yes.
Comment: This variant is associated with the following publications: (PMID: 25811928, 26084044, 30795770)

Eurofins Ntd Llc (ga)
Classification: Benign. Last evaluated: 2018-02-01. Review status: criteria provided, single submitter. Criteria: EGL Classification Definitions 2015. Collection method: clinical testing. Allele origin: germline. Observed: 168 variant alleles, 88 heterozygotes, 80 homozygotes.

Illumina Laboratory Services, Illumina
Classification: Benign for Niemann-Pick disease, type A. Last evaluated: 2018-01-12. Review status: criteria provided, single submitter. Criteria: ICSL Variant Classification Criteria 13 December 2019. Collection method: clinical testing. Allele origin: germline.
Comment: This variant was observed in the ICSL laboratory as part of a predisposition screen in an ostensibly healthy population. It had not been previously curated by ICSL or reported in the Human Gene Mutation Database (HGMD: prior to June 1st, 2018), and was therefore a candidate for classification through an automated scoring system. Utilizing variant allele frequency, disease prevalence and penetrance estimates, and inheritance mode, an automated score was calculated to assess if this variant is too frequent to cause the disease. Based on the score and internal cut-off values, a variant classified as benign is not then subjected to further curation. The score for this variant resulted in a classification of benign for this disease.

Women's Health and Genetics/Laboratory Corporation of America, LabCorp
Classification: Benign. Last evaluated: 2016-09-05. Review status: criteria provided, single submitter. Criteria: LabCorp Variant Classification Summary - May 2015. Collection method: clinical testing. Allele origin: germline.
Comment: Variant Summary: The c.107T>C in SMPD1 gene is a missense change that involves the alteration of a non-conserved nucleotide and 4/5 in silico tools predict benign outcome. The variant was observed in the large and broad cohorts of the ExAC project at an allele frequency of 0.6 (61590/110368 chrs tested). This frequency exceeds the maximal expected allele frequency for a pathogenic variant in this gene (0.002). A reputable database/diagnostic center has classified the variant of interest as Benign. Taking together, based on the prevalence in general population, the variant was classified as Benign.

Laboratory for Molecular Medicine, Mass General Brigham Personalized Medicine
Classification: Benign. Last evaluated: 2016-03-28. Review status: criteria provided, single submitter. Criteria: LMM Criteria. Collection method: clinical testing. Allele origin: germline.
Comment: Variant identified in a genome or exome case(s) and assessed due to predicted null impact of the variant or pathogenic assertions in the literature or databases. Disclaimer: This variant has not undergone full assessment. The following are preliminary notes: MAF

Breakthrough Genomics
Classification: Benign. Review status: criteria provided, single submitter. Criteria: ACMG Guidelines, 2015. Collection method: not provided. Allele origin: germline. Inheritance: Autosomal recessive inheritance. Affected: yes.

PreventionGenetics, part of Exact Sciences
Classification: Benign for SMPD1-related condition. Last evaluated: 2020-02-07. Review status: no assertion criteria provided. Collection method: clinical testing. Allele origin: germline. Not counted in ClinVar's aggregate classification.
Comment: This variant is classified as benign based on ACMG/AMP sequence variant interpretation guidelines (Richards et al. 2015 PMID: 25741868, with internal and published modifications).

Natera, Inc.
Classification: Benign for Niemann-Pick Disease, Types A/B. Last evaluated: 2017-05-06. Review status: no assertion criteria provided. Collection method: clinical testing. Allele origin: germline. Not counted in ClinVar's aggregate classification.

Mayo Clinic Laboratories, Mayo Clinic
Classification: Benign. Last evaluated: 2015-10-22. Review status: no assertion criteria provided. Collection method: clinical testing. Allele origin: unknown. Not counted in ClinVar's aggregate classification.

NM_000543.5(SMPD1):c.107T>C (p.Val36Ala)

Gene: SMPD1 (sphingomyelin phosphodiesterase 1; plus strand). Cytogenetic location: 11p15.4.
Variant type: single nucleotide variant.
Coding change: c.107T>C on transcript NM_000543.5 (MANE Select); coding-DNA position 107, T replaced by C.
Protein change: p.Val36Ala; replaces valine 36 with alanine.
Molecular consequence: missense variant. On other transcripts: 5 prime UTR variant (1), non-coding transcript variant (2).
Genome position (GRCh38, 1-based): chr11:6,390,705, T>C. VCF-style: chr11-6390705-T-C. GRCh37 (hg19) VCF-style: chr11-6411935-T-C.
Other names: c.107T>C, p.Val36Ala (NM_001007593.3, NM_001318087.2, NM_001365135.2); c.-855T>C (NM_001318088.2); short protein forms V36A.
Identifiers: ClinVar variation 93311 (VCV000093311.37), dbSNP rs1050228, ClinGen allele CA146857.